The following is an entry in ClinVar:

ClinVar aggregate classification (germline): Uncertain significance (1 of 4 stars; one submission).

Submission:

Ambry Genetics
Classification: Uncertain significance. Last evaluated: 2025-08-23. Review status: criteria provided, single submitter. Criteria: Ambry Variant Classification Scheme 2023. Collection method: clinical testing. Allele origin: germline.
Comment: The p.A2109S variant (also known as c.6325G>T), located in coding exon 27 of the WNK2 gene, results from a G to T substitution at nucleotide position 6325. The alanine at codon 2109 is replaced by serine, an amino acid with similar properties. This amino acid position is conserved. In addition, this alteration is predicted to be tolerated by in silico analysis. Based on the available evidence, the clinical significance of this variant remains unclear.

NM_006648.4(WNK2):c.6325G>T (p.Ala2109Ser)

Gene: WNK2 (WNK lysine deficient protein kinase 2; plus strand). Cytogenetic location: 9q22.31.
Variant type: single nucleotide variant.
Coding change: c.6325G>T on transcript NM_006648.4 (MANE Select); coding-DNA position 6325, G replaced by T.
Protein change: p.Ala2109Ser; replaces alanine 2109 with serine.
Molecular consequence: missense variant.
Genome position (GRCh38, 1-based): chr9:93,308,393, G>T. VCF-style: chr9-93308393-G-T. GRCh37 (hg19) VCF-style: chr9-96070675-G-T.
Other names: c.6436G>T, p.Ala2146Ser (NM_001282394.3); short protein forms A2146S, A2109S.
Identifiers: ClinVar variation 4201806 (VCV004201806.1).
Genomic context (GRCh38, chr9:93,308,393, plus strand): 5'-TCCACCAGCAGCCTGGCCCCAGGCCCTGAGCCAGGCCCCCAGCCCGCCCTGCACGTCCAG[G>T]CGCAGGTGAACAACAGCAACAACAAGAAGGGTACCTTCACGGACGACCTGCACAAGCTGG-3'
Protein context (NP_006639.3, residues 2099-2119): PGPQPALHVQ[Ala2109Ser]QVNNSNNKKG